The following is an entry in ClinVar:

ClinVar aggregate classification (germline): Uncertain significance (1 of 4 stars; one submission).

Conditions:
Type A2 brachydactyly (BDA2). Also called: MOHR-WRIEDT TYPE BRACHYDACTYLY; Brachymesophalangy type 2; BRACHYMESOPHALANGY II. Identifiers: Orphanet 93396, MedGen C1832702, MONDO:0007216, OMIM 112600, HP:0009372.
Acromesomelic dysplasia 3 (AMD3). Also called: CHONDRODYSPLASIA, ACROMESOMELIC, WITH OR WITHOUT GENITAL ANOMALIES; Acromesomelic dysplasia, Demirhan type. Identifiers: MedGen C4225404, MONDO:0012274, OMIM 609441.

Allele frequency attached by ClinVar (database versions not stated): gnomAD exomes below 0.00001; TOPMed below 0.00001.
gnomAD v4.1: 2 of 1,613,980 alleles (0.00012%); highest among the groups gnomAD compares: Non-Finnish European, 0.000085%; no homozygotes.

Submission:

Labcorp Genetics (formerly Invitae), Labcorp
Classification: Uncertain significance for Type A2 brachydactyly; Acromesomelic dysplasia 3. Last evaluated: 2023-05-22. Review status: criteria provided, single submitter. Criteria: Invitae Variant Classification Sherloc (09022015). Collection method: clinical testing. Allele origin: germline.
Comment: In summary, the available evidence is currently insufficient to determine the role of this variant in disease. Therefore, it has been classified as a Variant of Uncertain Significance. Advanced modeling of protein sequence and biophysical properties (such as structural, functional, and spatial information, amino acid conservation, physicochemical variation, residue mobility, and thermodynamic stability) performed at Invitae indicates that this missense variant is expected to disrupt BMPR1B protein function. This variant has not been reported in the literature in individuals affected with BMPR1B-related conditions. This variant is present in population databases (no rsID available, gnomAD 0.004%). This sequence change replaces tyrosine, which is neutral and polar, with cysteine, which is neutral and slightly polar, at codon 281 of the BMPR1B protein (p.Tyr281Cys).

NM_001203.3(BMPR1B):c.842A>G (p.Tyr281Cys)

Gene: BMPR1B (bone morphogenetic protein receptor type 1B; plus strand). Cytogenetic location: 4q22.3.
Variant type: single nucleotide variant.
Coding change: c.842A>G on transcript NM_001203.3 (MANE Select); coding-DNA position 842, A replaced by G.
Protein change: p.Tyr281Cys; replaces tyrosine 281 with cysteine.
Molecular consequence: missense variant.
Genome position (GRCh38, 1-based): chr4:95,131,278, A>G. VCF-style: chr4-95131278-A-G. GRCh37 (hg19) VCF-style: chr4-96052429-A-G.
Other names: c.842A>G, p.Tyr281Cys (NM_001256792.2, NM_001256794.1); c.932A>G, p.Tyr311Cys (NM_001256793.2); short protein forms Y281C, Y311C.
Identifiers: ClinVar variation 2928086 (VCV002928086.3), dbSNP rs1395395990, ClinGen allele CA357681953.